The following is an entry in ClinVar:

ClinVar aggregate classification (germline): Uncertain significance (0 of 4 stars; one submission).

Conditions:
Atrial septal defect 4 (ASD4). Identifiers: Orphanet 1478, MedGen C1969657, MONDO:0012654, OMIM 611363.

Submission:

Laboratory of Genomics, Instituto Nacional de Cardiología Ignacio Chávez
Classification: Uncertain significance for Atrial septal defect 4. Review status: no assertion criteria provided. Collection method: not provided. Allele origin: unknown.
ClinVar note: Converted during submission from unknown to Uncertain significance.

NC_000007.14:g.35202382A>T

Gene: TBX20 (T-box transcription factor 20; minus strand). Cytogenetic location: 7p14.2.
Variant type: single nucleotide variant.
Genome position: GRCh38 VCF-style: chr7-35202382-A-T. GRCh37 (hg19) VCF-style: chr7-35241994-A-T.
Identifiers: ClinVar variation 132829 (VCV000132829.2), dbSNP rs483353005, ClinGen allele CA156246.